The following is an entry in ClinVar:

NM_001009944.3(PKD1):c.4796del (p.Tyr1599fs)

Gene: PKD1 (polycystin 1, transient receptor potential channel interacting; minus strand). Cytogenetic location: 16p13.3.
Variant type: Deletion.
Coding change: c.4796del on transcript NM_001009944.3 (MANE Select); coding-DNA position 4796, one base deleted (A; older notation c.4796delA).
Protein change: p.Tyr1599fs; shifts the reading frame from tyrosine 1599.
Molecular consequence: frameshift variant.
Genome position (GRCh38, 1-based): chr16:2,110,371, T deleted on the plus strand (A on the coding strand, the reverse complement: PKD1 is on the minus strand). VCF-style (leftmost placement, unchanged base first): chr16-2110370-GT-G. GRCh37 (hg19) VCF-style: chr16-2160371-GT-G.
Other names: c.4796del, p.Tyr1599fs (NM_000296.4); short protein forms Y1599fs.
Identifiers: ClinVar variation 4879619 (VCV004879619.1).

ClinVar aggregate classification (germline): Pathogenic (1 of 4 stars; one submission).

Conditions:
Polycystic kidney disease, adult type (PKD1). Also called: Polycystic Kidney Disease 1, Autosomal Dominant; Polycystic kidney disease 1; Polycystic kidney disease 1, severe; POLYCYSTIC KIDNEY DISEASE, ADULT, TYPE I; Polycystic Kidney, Autosomal Dominant; POLYCYSTIC KIDNEY DISEASE 1 WITH OR WITHOUT POLYCYSTIC LIVER DISEASE. Identifiers: MedGen C3149841, MONDO:0008263, OMIM 173900.

Submission:

Victorian Clinical Genetics Services, Murdoch Childrens Research Institute
Classification: Pathogenic for Polycystic kidney disease, adult type. Last evaluated: 2026-03-27. Review status: criteria provided, single submitter. Criteria: ACMG Guidelines, 2015. Collection method: clinical testing. Allele origin: germline. Affected: yes.
Comment: This variant is classified as Pathogenic. Evidence in support of pathogenic classification: Variant is predicted to cause nonsense-mediated decay (NMD) and loss of protein (premature termination codon is located at least 54 nucleotides upstream of the final exon-exon junction); Variant is absent from gnomAD (v2, v3 and v4); Other NMD-predicted variants comparable to the one identified in this case have very strong previous evidence for pathogenicity (DECIPHER). Additional information: This variant is heterozygous; This gene is associated with autosomal dominant disease. Polycystic kidney disease 1 (MIM#173900) is predominantly caused by monoallelic variants, with rare reports of biallelic variants causing disease (OMIM); Loss of function is a known mechanism of disease in this gene and is associated with polycystic kidney disease 1 (MIM#173900); Inheritance information for this variant is not currently available in this individual.